The following is an entry in ClinVar:

NM_000492.4(CFTR):c.508C>T (p.Arg170Cys)

Gene: CFTR (CF transmembrane conductance regulator; plus strand). Cytogenetic location: 7q31.2.
Variant type: single nucleotide variant.
Coding change: c.508C>T on transcript NM_000492.4 (MANE Select); coding-DNA position 508, C replaced by T.
Protein change: p.Arg170Cys; replaces arginine 170 with cysteine.
Molecular consequence: missense variant.
Genome position (GRCh38, 1-based): chr7:117,534,294, C>T. VCF-style: chr7-117534294-C-T. GRCh37 (hg19) VCF-style: chr7-117174348-C-T.
Other names: short protein forms R170C.
Identifiers: ClinVar variation 455782 (VCV000455782.43), dbSNP rs578029902, ClinGen allele CA4450746.

ClinVar aggregate classification (germline): Conflicting classifications of pathogenicity. Review status: criteria provided, conflicting classifications (1 of 4 stars). 14 submissions from 14 submitters: Likely pathogenic (1); Uncertain significance (11). 2 of the submissions do not count toward it. Last evaluated 2026-06-30.

Conditions:
CFTR-related disorder (CFTR-RD). Also called: CFTR-related disorders; CFTR-related condition. Identifiers: MedGen C5924204, MONDO:7770004.
Hereditary pancreatitis (PCTT). Also called: Hereditary chronic pancreatitis; PRSS1-Related Hereditary Pancreatitis. Identifiers: Orphanet 676, MedGen C0238339, MONDO:0008185, OMIM 167800.
Bronchiectasis with or without elevated sweat chloride 1 (BESC1). Also called: Cystic Fibrosis-Like Syndrome. Identifiers: Orphanet 60033, MedGen C2749757, MONDO:0008887, OMIM 211400.
Congenital bilateral aplasia of vas deferens from CFTR mutation (CBAVD). Identifiers: Orphanet 48, MedGen C0403814, MONDO:0010178, OMIM 277180. Disease mechanism: loss of function.
Cystic fibrosis (CF). Also called: MUCOVISCIDOSIS. Identifiers: Orphanet 586, MedGen C0010674, MONDO:0009061, OMIM 219700. Disease mechanism: loss of function.

Allele frequency attached by ClinVar (database versions not stated): TOPMed 0.00003; 1000 Genomes Project 0.00020; 1000 Genomes Project 30x 0.00031.
gnomAD v4.1: 72 of 1,591,748 alleles (0.0045%); highest among the groups gnomAD compares: South Asian, 0.025%; 1 homozygote.

Submissions 1 to 7 of 14:

Diagnostics Services (NGS), CSIR - Centre For Cellular And Molecular Biology
Classification: Likely pathogenic for Cystic fibrosis. Last evaluated: 2026-06-30. Review status: criteria provided, single submitter. Criteria: ACMG Guidelines, 2015. Collection method: clinical testing. Allele origin: germline. Affected: no. Observed: 1 variant allele, 1 heterozygote.
Comment: The c.508C>T variant is not present in EVS. The variant is present in 1000 Genomes, gnomAD, Indian Exome Database and our internal database, at low frequencies. This variant has been previously observed in individuals affected with CFTR-related conditions, published in literature multiple times and reported to the HGMD (ID: CM941968) and ClinVar databases (Accession ID: VCV000455782.39) as ‘Uncertain significance’ by multiple submitters. In silico pathogenicity prediction programs like SIFT4G, PolyPhen-2, MutationTaster2, CADD, Franklin etc predicted this variant to be likely deleterious. This variant is located in a mutational hotspot region of the gene and a different amino acid change in the same codon (Arg170His) has been previously observed in affected individuals, published in literature multiple times and reported to the clinical databases by multiple submitters. The variant has been classified following PM1, PM2, PM5, PP3 criteria of ACMG guidelines.

Ambry Genetics
Classification: Uncertain significance for Cystic fibrosis. Last evaluated: 2026-03-31. Review status: criteria provided, single submitter. Criteria: Ambry Variant Classification Scheme 2023. Collection method: clinical testing. Allele origin: germline.
Comment: The c.508C>T (p.R170C) alteration is located in exon 5 (coding exon 5) of the CFTR gene. This alteration results from a C to T substitution at nucleotide position 508, causing the arginine (R) at amino acid position 170 to be replaced by a cysteine (C). Based on data from gnomAD, the T allele has an overall frequency of 0.005% (13/250410) total alleles studied. The highest observed frequency was 0.023% (7/30584) of South Asian alleles. This variant was detected in an individual with alcohol related pancreatitis in conjunction with p.F508del (Bernardino, 2003). This variant was also identified in one individual with alcohol related pancreatitis and infertility and one individual diagnosed with congenital absence of the vas deferens (Casals, 2004; Sharma, 2014). In addition, this variant was identified in a control individual (Le Mar&eacute;chal, 2001). This alteration was also identified in an individual diagnosed with cystic fibrosis however further details were not provided (Erdoan, 2021). This amino acid position is highly conserved in available vertebrate species. This alteration is predicted to be deleterious by in silico analysis. Based on insufficient or conflicting evidence, the clinical significance of this alteration remains unclear.

Women's Health and Genetics/Laboratory Corporation of America, LabCorp
Classification: Uncertain significance. Last evaluated: 2025-08-12. Review status: criteria provided, single submitter. Criteria: LabCorp Variant Classification Summary - May 2015. Collection method: clinical testing. Allele origin: germline.
Comment: Variant summary: CFTR c.508C>T (p.Arg170Cys) results in a non-conservative amino acid change located in the transmembrane domain (IPR011527) of the encoded protein sequence. Five of five in-silico tools predict a damaging effect of the variant on protein function. The variant allele was found at a frequency of 5.6e-05 in 252182 control chromosomes. This frequency is not significantly higher than estimated for a pathogenic variant in CFTR causing Cystic Fibrosis (5.6e-05 vs 0.013), allowing no conclusion about variant significance. c.508C>T has been reported in compound heterozygous state in at least 2 patients affected with cystic fibrosis (Soltysova_2017, Erdogan_2021), and in heterozygous state (or without a 2nd variant specified) in individuals affected with suspected CF, alcohol-related pancreatitis, congenital absence of the vas deferens (Bernardino_2003, Casals_2004, Sharma_2014, Pagin_2016), but was also found in controls (Le Marechal_2001, Modiano_2005). These data indicate that the variant may be associated with disease. To our knowledge, no experimental evidence demonstrating an impact on protein function has been reported. However, two different missense changes affecting the same amino acid (R170E and R170G) showed defect in transport to the Golgi complex (PMID: 33771570). The following publications have been ascertained in the context of this evaluation (PMID: 14526128, 15097853, 15126740, 19812525, 15536480, 16251901, 24958810, 11379874, 26900683, 28544683, 30592194, 34860163, 33771570). ClinVar contains an entry for this variant (Variation ID: 455782). Based on the evidence outlined above, the variant was classified as VUS-possibly pathogenic.

PreventionGenetics, part of Exact Sciences
Classification: Uncertain significance for CFTR-related condition. Last evaluated: 2025-04-28. Review status: criteria provided, single submitter. Criteria: ACMG Guidelines, 2015. Collection method: clinical testing. Allele origin: germline.
Comment: The CFTR c.508C>T variant is predicted to result in the amino acid substitution p.Arg170Cys. This variant has been reported in the compound heterozygous state in individuals with Cystic Fibrosis (Soltysova et al. 2017. PubMed ID: 28544683; Erdoğan et al. 2021. PubMed ID: 34860163) and in the compound heterozygous state with p.Phe508del variant in an individual with alcohol-related pancreatitis (Bernardino et al. 2003. PubMed ID: 14526128). It has also been reported in the heterozygous state (or without a second variant noted) in individuals with alcohol-related pancreatitis and congenital bilateral absence of the vas deferens (Casals et al. 2004. PubMed ID: 15097853; de Cid et al. 2010. PubMed ID: 19812525; Table IV, Sharma et al. 2014. PubMed ID: 24958810). Other variants impacting this codon [c.509G>A (p.Arg170His) and c.508C>G (p.Arg170Gly)] have been reported in individuals with CFTR-related disease (McGinniss et al. 2005. PubMed ID: 16189704; Table IV, Sharma et al. 2014. PubMed ID: 24958810; Palermo et al. 2016. PubMed ID: 27171515; Erdoğan. 2021. PubMed ID: 34860163). This variant is reported in 0.023% of alleles in individuals of South Asian descent in gnomAD and is reported in ClinVar as a variant of uncertain significance. At this time, the clinical significance of this variant is uncertain due to the absence of conclusive functional and genetic evidence.

Dasa
Classification: Uncertain significance. Last evaluated: 2024-10-15. Review status: criteria provided, single submitter. Criteria: DASA Assertion Criteria. Collection method: clinical testing. Allele origin: germline.
Comment: NM_000492.4(CFTR):c.508C>T (p.Arg170Cys) is a missense variant that results in the substitution of arginine with cysteine. Published studies describe this variant in association with related phenotype (PMID: 15126740; PMID: 24958810; PMID: 19812525). Also, this variant is rare in population databases. Computational prediction algorithms are consistent with a deleterious effect. The currently available literature and clinical evidence are not sufficient to establish a definitive association between this variant and the reported condition. Therefore, this variant is classified as a variant of uncertain significance.

Johns Hopkins Genomics, Johns Hopkins University
Classification: Uncertain significance for Cystic fibrosis. Last evaluated: 2023-07-14. Review status: criteria provided, single submitter. Criteria: ACMG Guidelines, 2015. Collection method: clinical testing. Allele origin: germline.
Comment: This CFTR missense variant has been identified in individuals features of cystic fibrosis but not a classic cystic fibrosis phenotype. This variant (rs578029902) is rare (<0.1%) in a large population dataset (gnomADv2.1.1: 13/ 250410 total alleles; 0.005%; no homozygotes) and has been reported in ClinVar (Variation ID: 455782). Two bioinformatic tools queried predict that this substitution would be damaging and the arginine residue at this position is evolutionarily conserved across most species assessed. We consider the clinical significance of CFTR c.508C>T to be uncertain at this time.

Fulgent Genetics
Classification: Uncertain significance for Hereditary pancreatitis; Bronchiectasis with or without elevated sweat chloride 1; Cystic fibrosis; Congenital bilateral aplasia of vas deferens from CFTR mutation. Last evaluated: 2022-02-26. Review status: criteria provided, single submitter. Criteria: ACMG Guidelines, 2015. Collection method: clinical testing. Allele origin: unknown.